The following is an entry in ClinVar:

NM_001267550.2(TTN):c.81816A>C (p.Ala27272=)

Genes: TTN-AS1 (TTN antisense RNA 1; plus strand), TTN (titin; minus strand). Cytogenetic location: 2q31.2.
Variant type: single nucleotide variant.
Coding change: c.81816A>C on transcript NM_001267550.2 (MANE Select); coding-DNA position 81816, A replaced by C.
Protein change: p.Ala27272=; no amino-acid change (alanine 27272 retained).
Molecular consequence: synonymous variant.
Genome position (GRCh38, 1-based): chr2:178,564,316, T>G on the plus strand (A>C on the coding strand, the complement: TTN is on the minus strand). VCF-style: chr2-178564316-T-G. GRCh37 (hg19) VCF-style: chr2-179429043-T-G.
Other names: c.76893A>C, p.Ala25631= (NM_001256850.1); c.54621A>C, p.Ala18207= (NM_003319.4); c.74112A>C, p.Ala24704= (NM_133378.4); c.54996A>C, p.Ala18332= (NM_133432.3); c.55197A>C, p.Ala18399= (NM_133437.4).
Identifiers: ClinVar variation 678436 (VCV000678436.1), dbSNP rs1575657880, ClinGen allele CA430250783.

ClinVar aggregate classification (germline): Likely benign (1 of 4 stars; one submission).

Submission:

GeneDx
Classification: Likely benign. Last evaluated: 2018-05-17. Review status: criteria provided, single submitter. Criteria: GeneDx Variant Classification (06012015). Collection method: clinical testing. Allele origin: germline. Affected: yes.
Comment: This variant is considered likely benign or benign based on one or more of the following criteria: it is a conservative change, it occurs at a poorly conserved position in the protein, it is predicted to be benign by multiple in silico algorithms, and/or has population frequency not consistent with disease.